The following is an entry in ClinVar:

ClinVar aggregate classification (germline): Uncertain significance (1 of 4 stars; one submission).

gnomAD v4.1: 3 of 1,613,826 alleles (0.00019%); highest among the groups gnomAD compares: Non-Finnish European, 0.00025%; no homozygotes.

Submission:

Labcorp Genetics (formerly Invitae), Labcorp
Classification: Uncertain significance. Last evaluated: 2022-08-19. Review status: criteria provided, single submitter. Criteria: Invitae Variant Classification Sherloc (09022015). Collection method: clinical testing. Allele origin: germline.
Comment: This sequence change replaces serine, which is neutral and polar, with phenylalanine, which is neutral and non-polar, at codon 1332 of the GPR179 protein (p.Ser1332Phe). This variant is not present in population databases (gnomAD no frequency). This variant has not been reported in the literature in individuals affected with GPR179-related conditions. Algorithms developed to predict the effect of missense changes on protein structure and function output the following: SIFT: "Deleterious"; PolyPhen-2: "Benign"; Align-GVGD: "Class C0". The phenylalanine amino acid residue is found in multiple mammalian species, which suggests that this missense change does not adversely affect protein function. In summary, the available evidence is currently insufficient to determine the role of this variant in disease. Therefore, it has been classified as a Variant of Uncertain Significance.

NM_001004334.4(GPR179):c.3995C>T (p.Ser1332Phe)

Gene: GPR179 (G protein-coupled receptor 179; minus strand). Cytogenetic location: 17q12.
Variant type: single nucleotide variant.
Coding change: c.3995C>T on transcript NM_001004334.4 (MANE Select); coding-DNA position 3995, C replaced by T.
Protein change: p.Ser1332Phe; replaces serine 1332 with phenylalanine.
Molecular consequence: missense variant.
Genome position (GRCh38, 1-based): chr17:38,329,574, G>A on the plus strand (C>T on the coding strand, the complement: GPR179 is on the minus strand). VCF-style: chr17-38329574-G-A. GRCh37 (hg19) VCF-style: chr17-36485457-G-A.
Other names: short protein forms S1332F.
Identifiers: ClinVar variation 1968067 (VCV001968067.5), dbSNP rs767762696, ClinGen allele CA398877863.